The following is an entry in ClinVar:

NM_000079.4(CHRNA1):c.1333G>A (p.Val445Met)

Gene: CHRNA1 (cholinergic receptor nicotinic alpha 1 subunit; minus strand). Cytogenetic location: 2q31.1.
Variant type: single nucleotide variant.
Coding change: c.1333G>A on transcript NM_000079.4 (MANE Select); coding-DNA position 1333, G replaced by A.
Protein change: p.Val445Met; replaces valine 445 with methionine.
Molecular consequence: missense variant.
Genome position (GRCh38, 1-based): chr2:174,748,165, C>T on the plus strand (G>A on the coding strand, the complement: CHRNA1 is on the minus strand). VCF-style: chr2-174748165-C-T. GRCh37 (hg19) VCF-style: chr2-175612893-C-T.
Other names: c.1408G>A, p.Val470Met (NM_001039523.3); short protein forms V445M, V470M.
Identifiers: ClinVar variation 466177 (VCV000466177.8), dbSNP rs372104868, ClinGen allele CA1974299.

ClinVar aggregate classification (germline): Uncertain significance. Review status: criteria provided, multiple submitters, no conflicts (2 of 4 stars). 2 submissions from 2 submitters: Uncertain significance (2). Last evaluated 2026-02-02.

Conditions:
Lethal multiple pterygium syndrome (LMPS). Identifiers: Orphanet 33108, MedGen C1854678, MONDO:0009668, OMIM 253290.

Allele frequency attached by ClinVar (database versions not stated): gnomAD exomes 0.00002; ExAC 0.00003; ESP Exome Variant Server 0.00008; TOPMed 0.00010; gnomAD 0.00012 and 0.00013; 1000 Genomes Project 30x 0.00016; 1000 Genomes Project 0.00020.
gnomAD v4.1: 43 of 1,614,124 alleles (0.0027%); highest among the groups gnomAD compares: African/African-American, 0.039%; no homozygotes.

Submissions (2):

Labcorp Genetics (formerly Invitae), Labcorp
Classification: Uncertain significance for Lethal multiple pterygium syndrome. Last evaluated: 2026-02-02. Review status: criteria provided, single submitter. Criteria: Invitae Variant Classification Sherloc (09022015). Collection method: clinical testing. Allele origin: germline.
Comment: This sequence change replaces valine, which is neutral and non-polar, with methionine, which is neutral and non-polar, at codon 445 of the CHRNA1 protein (p.Val445Met). This variant is present in population databases (rs372104868, gnomAD 0.02%). This variant has not been reported in the literature in individuals affected with CHRNA1-related conditions. ClinVar contains an entry for this variant (Variation ID: 466177). Invitae Evidence Modeling of protein sequence and biophysical properties (such as structural, functional, and spatial information, amino acid conservation, physicochemical variation, residue mobility, and thermodynamic stability) indicates that this missense variant is not expected to disrupt CHRNA1 protein function with a negative predictive value of 80%. In summary, the available evidence is currently insufficient to determine the role of this variant in disease. Therefore, it has been classified as a Variant of Uncertain Significance.

Blueprint Genetics
Classification: Uncertain significance. Last evaluated: 2022-04-08. Review status: criteria provided, single submitter. Criteria: ACMG Guidelines, 2015. Collection method: clinical testing. Allele origin: germline.